The following is an entry in ClinVar:

NM_000051.4(ATM):c.17_20del (p.Asn6fs)

Gene: ATM (ATM serine/threonine kinase; plus strand). Cytogenetic location: 11q22.3.
Variant type: Deletion.
Coding change: c.17_20del on transcript NM_000051.4 (MANE Select); coding-DNA positions 17 to 20, 4 bases deleted (ATGA; older notation c.17_20delATGA).
Protein change: p.Asn6fs; shifts the reading frame from asparagine 6.
Molecular consequence: frameshift variant.
Genome position (GRCh38, 1-based): chr11:108,227,641-108,227,644, ATGA deleted; deleting any 4 consecutive bases within chr11:108,227,640-108,227,644 gives the same sequence; the c. name uses the placement nearest the transcript's 3' end. VCF-style (leftmost placement, unchanged base first): chr11-108227639-TAATG-T. GRCh37 (hg19) VCF-style: chr11-108098366-TAATG-T.
Other names: c.17_20del, p.Asn6fs (NM_001351834.2, NM_001351835.2, NM_001351836.2); short protein forms N6fs.
Identifiers: ClinVar variation 2088773 (VCV002088773.6), dbSNP rs2496887731, ClinGen allele CA2580082969.

ClinVar aggregate classification (germline): Pathogenic. Review status: criteria provided, multiple submitters, no conflicts (2 of 4 stars). 3 submissions from 3 submitters: Pathogenic (3). Last evaluated 2025-06-03.

Conditions:
Hereditary cancer-predisposing syndrome. Also called: Tumor predisposition; Neoplastic Syndromes, Hereditary; Hereditary neoplastic syndrome; Hereditary Cancer Syndrome. Identifiers: Orphanet 140162, MedGen C0027672, MeSH D009386, MONDO:0015356.
Ataxia-telangiectasia syndrome (AT). Also called: Ataxia-telangiectasia, complementation group D; AT, COMPLEMENTATION GROUP C; ATAXIA-TELANGIECTASIA, COMPLEMENTATION GROUP A; ATAXIA-TELANGIECTASIA, FRESNO VARIANT; Ataxia telangiectasia (A-T); Ataxia-telangiectasia. Identifiers: Orphanet 100, MedGen C0004135, MONDO:0008840, OMIM 208900.
Familial cancer of breast. Also called: hereditary breast carcinoma; Hereditary breast cancer; BREAST CANCER, FAMILIAL. Identifiers: Orphanet 227535, MedGen C0346153, MONDO:0016419, OMIM 114480. Disease mechanism: loss of function.

Submissions (3):

Myriad Genetics, Inc.
Classification: Pathogenic for Familial cancer of breast. Last evaluated: 2025-06-03. Review status: criteria provided, single submitter. Criteria: Myriad Autosomal Dominant, Autosomal Recessive and X-Linked Classification Criteria (2023). Collection method: clinical testing. Allele origin: unknown.
Comment: This variant is considered pathogenic. This variant creates a frameshift predicted to result in premature protein truncation.

Ambry Genetics
Classification: Pathogenic for Hereditary cancer-predisposing syndrome. Last evaluated: 2025-01-17. Review status: criteria provided, single submitter. Criteria: Ambry Variant Classification Scheme 2023. Collection method: clinical testing. Allele origin: germline.
Comment: The c.17_20delATGA pathogenic mutation, located in coding exon 1 of the ATM gene, results from a deletion of 4 nucleotides at nucleotide positions 17 to 20, causing a translational frameshift with a predicted alternate stop codon (p.N6Ifs*9). This variant is considered to be rare based on population cohorts in the Genome Aggregation Database (gnomAD). This alteration is expected to result in loss of function by premature protein truncation or nonsense-mediated mRNA decay. As such, this alteration is interpreted as a disease-causing mutation.

Labcorp Genetics (formerly Invitae), Labcorp
Classification: Pathogenic for Ataxia-telangiectasia syndrome. Last evaluated: 2023-06-29. Review status: criteria provided, single submitter. Criteria: Invitae Variant Classification Sherloc (09022015). Collection method: clinical testing. Allele origin: germline.
Comment: This variant is not present in population databases (gnomAD no frequency). This sequence change creates a premature translational stop signal (p.Asn6Ilefs*9) in the ATM gene. It is expected to result in an absent or disrupted protein product. Loss-of-function variants in ATM are known to be pathogenic (PMID: 23807571, 25614872). This variant has not been reported in the literature in individuals affected with ATM-related conditions. ClinVar contains an entry for this variant (Variation ID: 2088773). For these reasons, this variant has been classified as Pathogenic.

Literature cited by the submitters: PubMed 23807571 (cited by Labcorp Genetics (formerly Invitae), Labcorp); PubMed 25614872 (cited by Labcorp Genetics (formerly Invitae), Labcorp).